The following is an entry in ClinVar:

NM_001330260.2(SCN8A):c.2534C>G (p.Ser845Cys)

Gene: SCN8A (sodium voltage-gated channel alpha subunit 8; plus strand). Cytogenetic location: 12q13.13.
Variant type: single nucleotide variant.
Coding change: c.2534C>G on transcript NM_001330260.2 (MANE Select); coding-DNA position 2534, C replaced by G.
Protein change: p.Ser845Cys; replaces serine 845 with cysteine.
Molecular consequence: missense variant.
Genome position (GRCh38, 1-based): chr12:51,762,666, C>G. VCF-style: chr12-51762666-C-G. GRCh37 (hg19) VCF-style: chr12-52156450-C-G.
Other names: NM_001330260.2(SCN8A):c.2534C>G; p.Ser845Cys; c.2534C>G, p.Ser845Cys (NM_001177984.3, NM_001369788.1, NM_014191.4); short protein forms S845C.
Identifiers: ClinVar variation 2820766 (VCV002820766.4), dbSNP rs796053210, ClinGen allele CA384884778.

ClinVar aggregate classification (germline): Likely pathogenic. Review status: reviewed by expert panel (3 of 4 stars). 2 submissions from 2 submitters: Likely pathogenic (1). 1 of the submissions does not count toward it. Last evaluated 2025-09-23.

Conditions:
Early-infantile DEE. Also called: Early infantile epileptic encephalopathy; Early infantile epileptic encephalopathy with suppression bursts; Ohtahara syndrome. Identifiers: Orphanet 1934, MedGen C0393706, MONDO:0800491.
Complex neurodevelopmental disorder. Identifiers: Orphanet 528084, MedGen C5568766, MONDO:0100038.

Submissions (2):

ClinGen Epilepsy Sodium Channel Variant Curation Expert Panel, Clingen
Classification: Likely pathogenic for Complex neurodevelopmental disorder. Last evaluated: 2025-09-23. Review status: reviewed by expert panel. Criteria: ClinGen EpilepsySCN ACMG Specifications SCN8A V2.0.0. Collection method: curation. Allele origin: germline. Inheritance: Autosomal dominant inheritance.
Comment: The NM_001330260.2:c.2534C>G variant in SCN8A is a missense variant predicted to cause substitution of serine by cysteine at amino acid 845 (p.Ser845Cys). This variant is absent from gnomAD v4.1.0 (PM2_Supporting). The computational predictor REVEL gives a score of 0.882, which is above the threshold of 0.773, evidence that correlates with impact to SCN8A function (PP3_Moderate). Another missense variant (c.2534C>T (p.Ser845Phe), ClinVar Variation ID: 207109) in the same codon has been classified as likely pathogenic for autosomal dominant complex neurodevelopmental disorder by the ClinGen Epilepsy Sodium Channel VCEP (PM5_Supporting). This variant resides within a region, amino acids 844-852, of SCN8A that is defined as a mutational hotspot and/or critical functional domain by the ClinGen Epilepsy Sodium Channel VCEP (PM1). In summary, this variant meets the criteria to be classified as likely pathogenic for autosomal dominant complex neurodevelopmental disorder based on the ACMG/AMP criteria applied, as specified by the ClinGen Epilepsy Sodium Channel VCEP: PM1, PP3_Moderate, PM2_Supporting, PM5_Supporting, PM6_Supporting. (VCEP specifications version 2.0.0; approved 1/7/25).

Labcorp Genetics (formerly Invitae), Labcorp
Classification: Pathogenic for Early-infantile DEE. Last evaluated: 2023-03-08. Review status: criteria provided, single submitter. Criteria: Invitae Variant Classification Sherloc (09022015). Collection method: clinical testing. Allele origin: germline. Not counted in ClinVar's aggregate classification.
Comment: For these reasons, this variant has been classified as Pathogenic. This sequence change replaces serine, which is neutral and polar, with cysteine, which is neutral and slightly polar, at codon 845 of the SCN8A protein (p.Ser845Cys). This variant is not present in population databases (gnomAD no frequency). This missense change has been observed in individual(s) with clinical features of SNC8A-related conditions (Invitae). In at least one individual the variant was observed to be de novo. Advanced modeling of protein sequence and biophysical properties (such as structural, functional, and spatial information, amino acid conservation, physicochemical variation, residue mobility, and thermodynamic stability) performed at Invitae indicates that this missense variant is expected to disrupt SCN8A protein function.